The following is an entry in ClinVar:

ClinVar aggregate classification (germline): Likely benign. Review status: criteria provided, single submitter (1 of 4 stars). 2 submissions from 2 submitters: Likely benign (1). 1 of the submissions does not count toward it. Last evaluated 2021-12-23.

Conditions:
MIPEP-related disorder. Also called: MIPEP-related condition.

Allele frequency attached by ClinVar (database versions not stated): gnomAD 0.00001; ExAC 0.00002; ESP Exome Variant Server 0.00008.
gnomAD v4.1: 54 of 1,537,466 alleles (0.0035%); highest among the groups gnomAD compares: East Asian, 0.0046%; no homozygotes.

Submissions (2):

Blueprint Genetics
Classification: Likely benign. Last evaluated: 2021-12-23. Review status: criteria provided, single submitter. Criteria: ACMG Guidelines, 2015. Collection method: clinical testing. Allele origin: germline.

PreventionGenetics, part of Exact Sciences
Classification: Likely benign for MIPEP-related condition. Last evaluated: 2019-06-05. Review status: no assertion criteria provided. Collection method: clinical testing. Allele origin: germline. Not counted in ClinVar's aggregate classification.
Comment: This variant is classified as likely benign based on ACMG/AMP sequence variant interpretation guidelines (Richards et al. 2015 PMID: 25741868, with internal and published modifications).

NM_005932.4(MIPEP):c.944-7G>A

Gene: MIPEP (mitochondrial intermediate peptidase; minus strand). Cytogenetic location: 13q12.12.
Variant type: single nucleotide variant.
Coding change: c.944-7G>A on transcript NM_005932.4 (MANE Select); 7 bases into the intron before coding-DNA position 944, G replaced by A.
Molecular consequence: intron variant.
Genome position (GRCh38, 1-based): chr13:23,864,196, C>T on the plus strand (G>A on the coding strand, the complement: MIPEP is on the minus strand). VCF-style: chr13-23864196-C-T. GRCh37 (hg19) VCF-style: chr13-24438335-C-T.
Identifiers: ClinVar variation 3043660 (VCV003043660.3), dbSNP rs371786552, ClinGen allele CA6913154.
Genomic context (GRCh38, chr13:23,864,196, plus strand): 5'-CTAACCTTTCAGAAAGTTTGTCAGATAGTTTTTCAAGGAACTGCATGACAGTCTCTAAAA[C>T]GAAATCCAAAAGAAAATATCTTCAATTATGTGAAATAAAATGAACATATCTGTTAAAATT-3'